The following is an entry in ClinVar:

ClinVar aggregate classification (germline): Pathogenic (1 of 4 stars; one submission).

Conditions:
3-methylcrotonyl-CoA carboxylase 1 deficiency (MCC1D). Also called: MCCD TYPE 1; METHYLCROTONYLGLYCINURIA TYPE I; MCC 1 deficiency; 3 Alpha methylcrotonylglycinuria 1. Identifiers: Orphanet 6, MedGen CN028786, MONDO:0008861, OMIM 210200.

Allele frequency attached by ClinVar (database versions not stated): gnomAD exomes below 0.00001.
gnomAD v4.1: 1 of 1,595,514 alleles (0.000063%); highest among the groups gnomAD compares: South Asian, 0.0011%; no homozygotes.

Submission:

Labcorp Genetics (formerly Invitae), Labcorp
Classification: Pathogenic for 3-methylcrotonyl-CoA carboxylase 1 deficiency. Last evaluated: 2022-05-27. Review status: criteria provided, single submitter. Criteria: Invitae Variant Classification Sherloc (09022015). Collection method: clinical testing. Allele origin: germline.
Comment: For these reasons, this variant has been classified as Pathogenic. Algorithms developed to predict the effect of sequence changes on RNA splicing suggest that this variant may disrupt the consensus splice site. Disruption of this splice site has been observed in individual(s) with 3-methylcrotonyl-CoA carboxylase deficiency (PMID: 21071250). This variant is not present in population databases (gnomAD no frequency). This sequence change affects an acceptor splice site in intron 7 of the MCCC1 gene. It is expected to disrupt RNA splicing. Variants that disrupt the donor or acceptor splice site typically lead to a loss of protein function (PMID: 16199547), and loss-of-function variants in MCCC1 are known to be pathogenic (PMID: 11181649, 15359379, 22642865).

Literature cited by the submitters: PubMed 21071250; PubMed 16199547; PubMed 11181649; PubMed 15359379; PubMed 22642865.

NM_020166.5(MCCC1):c.762-2A>G

Gene: MCCC1 (methylcrotonyl-CoA carboxylase subunit 1; minus strand). Cytogenetic location: 3q27.1.
Variant type: single nucleotide variant.
Coding change: c.762-2A>G on transcript NM_020166.5 (MANE Select); the canonical splice acceptor site of the intron before coding-DNA position 762, A replaced by G.
Molecular consequence: splice acceptor variant.
Genome position (GRCh38, 1-based): chr3:183,057,424, T>C on the plus strand (A>G on the coding strand, the complement: MCCC1 is on the minus strand). VCF-style: chr3-183057424-T-C. GRCh37 (hg19) VCF-style: chr3-182775212-T-C.
Other names: c.435-2A>G (NM_001363880.1); c.411-2A>G (NM_001293273.2).
Identifiers: ClinVar variation 1999431 (VCV001999431.4), dbSNP rs765149078, ClinGen allele CA2718968.